The following is an entry in ClinVar:

ClinVar aggregate classification (germline): Conflicting classifications of pathogenicity. Review status: criteria provided, conflicting classifications (1 of 4 stars). 2 submissions from 2 submitters: Uncertain significance (1); Likely benign (1). Last evaluated 2025-12-01.

Allele frequency attached by ClinVar (database versions not stated): ExAC 0.00005; gnomAD exomes 0.00007 and 0.00011; gnomAD 0.00009; TOPMed 0.00011.
gnomAD v4.1: 169 of 1,614,020 alleles (0.01%); highest among the groups gnomAD compares: Non-Finnish European, 0.011%; no homozygotes.

Submissions (2):

Labcorp Genetics (formerly Invitae), Labcorp
Classification: Uncertain significance. Last evaluated: 2025-12-01. Review status: criteria provided, single submitter. Criteria: Invitae Variant Classification Sherloc (09022015). Collection method: clinical testing. Allele origin: germline.
Comment: This sequence change replaces asparagine, which is neutral and polar, with serine, which is neutral and polar, at codon 354 of the DDX58 protein (p.Asn354Ser). This variant is present in population databases (rs763836648, gnomAD 0.08%), and has an allele count higher than expected for a pathogenic variant. This variant has not been reported in the literature in individuals affected with DDX58-related conditions. ClinVar contains an entry for this variant (Variation ID: 1418699). Invitae Evidence Modeling of protein sequence and biophysical properties (such as structural, functional, and spatial information, amino acid conservation, physicochemical variation, residue mobility, and thermodynamic stability) indicates that this missense variant is not expected to disrupt DDX58 protein function with a negative predictive value of 80%. In summary, the available evidence is currently insufficient to determine the role of this variant in disease. Therefore, it has been classified as a Variant of Uncertain Significance.

Blueprint Genetics
Classification: Likely benign. Last evaluated: 2024-04-25. Review status: criteria provided, single submitter. Criteria: ACMG Guidelines, 2015. Collection method: clinical testing. Allele origin: germline.

NM_014314.4(RIGI):c.1061A>G (p.Asn354Ser)

Gene: RIGI (RNA sensor RIG-I; minus strand). Cytogenetic location: 9p21.1.
Variant type: single nucleotide variant.
Coding change: c.1061A>G on transcript NM_014314.4 (MANE Select); coding-DNA position 1061, A replaced by G.
Protein change: p.Asn354Ser; replaces asparagine 354 with serine.
Molecular consequence: missense variant.
Genome position (GRCh38, 1-based): chr9:32,488,096, T>C on the plus strand (A>G on the coding strand, the complement: RIGI is on the minus strand). VCF-style: chr9-32488096-T-C. GRCh37 (hg19) VCF-style: chr9-32488094-T-C.
Other names: c.1055A>G, p.Asn352Ser (NM_001385907.1); c.1061A>G, p.Asn354Ser (NM_001385909.1); c.620A>G, p.Asn207Ser (NM_001385910.1); c.452A>G, p.Asn151Ser (NM_001385912.1); c.1046A>G, p.Asn349Ser (NM_001385913.1); c.617A>G, p.Asn206Ser (NM_001385914.1); short protein forms N206S, N349S, N354S, N151S, N352S, N207S.
Identifiers: ClinVar variation 1418699 (VCV001418699.6), dbSNP rs763836648, ClinGen allele CA5019923.